The following is an entry in ClinVar:

NM_015122.3(FCHO1):c.890G>A (p.Arg297Gln)

Gene: FCHO1 (FCH and mu domain containing endocytic adaptor 1; plus strand). Cytogenetic location: 19p13.11.
Variant type: single nucleotide variant.
Coding change: c.890G>A on transcript NM_015122.3 (MANE Select); coding-DNA position 890, G replaced by A.
Protein change: p.Arg297Gln; replaces arginine 297 with glutamine.
Molecular consequence: missense variant. On other transcripts: non-coding transcript variant (36).
Genome position (GRCh38, 1-based): chr19:17,774,448, G>A. VCF-style: chr19-17774448-G-A. GRCh37 (hg19) VCF-style: chr19-17885257-G-A.
Other names: c.890G>A, p.Arg297Gln (NM_001161357.2, NM_001161358.2, NM_001384370.1 and 25 more transcripts); c.740G>A, p.Arg247Gln (NM_001161359.2, NM_001384384.1, NM_001384385.1 and 3 more transcripts); c.851G>A, p.Arg284Gln (NM_001384388.1, NM_001384389.1, NM_001384405.1); c.815G>A, p.Arg272Gln (NM_001384390.1); c.845G>A, p.Arg282Gln (NM_001384403.1); short protein forms R272Q, R247Q, R282Q, R284Q, R297Q.
Identifiers: ClinVar variation 4706193 (VCV004706193.1).
Genomic context (GRCh38, chr19:17,774,448, plus strand): 5'-CCTCAGCGATGAAACGTTTGCGGGGAGCCAAGGCCTTTCGCCTTCCAGGACTAAGCCGGC[G>A]GGAGCGGGAGCCAGAGCCACCTGCAGCTGTGTGAGGAAGCACCCCTGCCCGGTCTGGCCC-3'
Protein context (NP_055937.1, residues 287-307): KAFRLPGLSR[Arg297Gln]EREPEPPAAV

ClinVar aggregate classification (germline): Uncertain significance (1 of 4 stars; one submission).

gnomAD v4.1: 10 of 1,613,504 alleles (0.00062%); highest among the groups gnomAD compares: East Asian, 0.0022%; no homozygotes.

Submission:

Labcorp Genetics (formerly Invitae), Labcorp
Classification: Uncertain significance. Last evaluated: 2025-06-29. Review status: criteria provided, single submitter. Criteria: Invitae Variant Classification Sherloc (09022015). Collection method: clinical testing. Allele origin: germline.
Comment: This sequence change replaces arginine, which is basic and polar, with glutamine, which is neutral and polar, at codon 297 of the FCHO1 protein (p.Arg297Gln). This variant is present in population databases (rs753703695, gnomAD 0.0009%). This variant has not been reported in the literature in individuals affected with FCHO1-related conditions. An algorithm developed to predict the effect of missense changes on protein structure and function (PolyPhen-2) suggests that this variant is likely to be disruptive. In summary, the available evidence is currently insufficient to determine the role of this variant in disease. Therefore, it has been classified as a Variant of Uncertain Significance.